The following is an entry in ClinVar:

NM_016203.4(PRKAG2):c.134T>A (p.Met45Lys)

Gene: PRKAG2 (protein kinase AMP-activated non-catalytic subunit gamma 2; minus strand). Cytogenetic location: 7q36.1.
Variant type: single nucleotide variant.
Coding change: c.134T>A on transcript NM_016203.4 (MANE Select); coding-DNA position 134, T replaced by A.
Protein change: p.Met45Lys; replaces methionine 45 with lysine.
Molecular consequence: missense variant. On other transcripts: initiator codon variant (5), intron variant (1).
Genome position (GRCh38, 1-based): chr7:151,786,522, A>T on the plus strand (T>A on the coding strand, the complement: PRKAG2 is on the minus strand). VCF-style: chr7-151786522-A-T. GRCh37 (hg19) VCF-style: chr7-151483608-A-T.
Other names: c.2T>A, p.Met1Lys (NM_001040633.2, NM_001407024.1, NM_001407026.1 and 2 more transcripts); c.134T>A, p.Met45Lys (NM_001407021.1, NM_001407022.1, NM_001407023.1 and 2 more transcripts); c.148+27894T>A (NM_001407032.1); short protein forms M45K, M1K.
Identifiers: ClinVar variation 2995664 (VCV002995664.3), dbSNP rs181839504, ClinGen allele CA054838.
Genomic context (GRCh38, chr7:151,786,522, plus strand): 5'-GGTCTTACCTTTCGAGAGGAATGCTTTCCGGAACCCTCCAGGTCTCCGTCCAGGAGCGGC[A>T]TGGCGAAGGAGCTCAGGTCCTAGGGTGGACAGAGAGCACGTGGTCAGTGACAGTGGCCCT-3'
Protein context (NP_057287.2, residues 35-55): VHIPDLSSFA[Met45Lys]PLLDGDLEGS

ClinVar aggregate classification (germline): Uncertain significance (1 of 4 stars; one submission).

Conditions:
Lethal congenital glycogen storage disease of heart. Also called: PHOSPHORYLASE KINASE DEFICIENCY OF HEART; GLYCOGEN STORAGE DISEASE OF HEART. Identifiers: Orphanet 439854, MedGen C1849813, MONDO:0009867, OMIM 261740.

Allele frequency attached by ClinVar (database versions not stated): gnomAD 0.00001; gnomAD exomes 0.00001; ExAC 0.00002; 1000 Genomes Project 30x 0.00016; 1000 Genomes Project 0.00020.
gnomAD v4.1: 4 of 1,612,950 alleles (0.00025%); highest among the groups gnomAD compares: Non-Finnish European, 0.00034%; no homozygotes.

Submission:

Labcorp Genetics (formerly Invitae), Labcorp
Classification: Uncertain significance for Lethal congenital glycogen storage disease of heart. Last evaluated: 2026-01-05. Review status: criteria provided, single submitter. Criteria: Invitae Variant Classification Sherloc (09022015). Collection method: clinical testing. Allele origin: germline.
Comment: This sequence change replaces methionine, which is neutral and non-polar, with lysine, which is basic and polar, at codon 45 of the PRKAG2 protein (p.Met45Lys). This variant is present in population databases (rs181839504, gnomAD 0.002%). This variant has not been reported in the literature in individuals affected with PRKAG2-related conditions. ClinVar contains an entry for this variant (Variation ID: 2995664). Invitae Evidence Modeling of protein sequence and biophysical properties (such as structural, functional, and spatial information, amino acid conservation, physicochemical variation, residue mobility, and thermodynamic stability) indicates that this missense variant is not expected to disrupt PRKAG2 protein function with a negative predictive value of 95%. In summary, the available evidence is currently insufficient to determine the role of this variant in disease. Therefore, it has been classified as a Variant of Uncertain Significance.